The following is an entry in ClinVar:

NM_000122.2(ERCC3):c.1962G>C (p.Glu654Asp)

Gene: ERCC3 (ERCC excision repair 3, TFIIH core complex helicase subunit; minus strand). Cytogenetic location: 2q14.3.
Variant type: single nucleotide variant.
Coding change: c.1962G>C on transcript NM_000122.2 (MANE Select); coding-DNA position 1962, G replaced by C.
Protein change: p.Glu654Asp; replaces glutamic acid 654 with aspartic acid.
Molecular consequence: missense variant.
Genome position (GRCh38, 1-based): chr2:127,261,330, C>G on the plus strand (G>C on the coding strand, the complement: ERCC3 is on the minus strand). VCF-style: chr2-127261330-C-G. GRCh37 (hg19) VCF-style: chr2-128018906-C-G.
Other names: c.1770G>C, p.Glu590Asp (NM_001303416.2, NM_001303418.2); short protein forms E590D, E654D.
Identifiers: ClinVar variation 2419465 (VCV002419465.5), dbSNP rs375848554, ClinGen allele CA1858121.

ClinVar aggregate classification (germline): Uncertain significance (1 of 4 stars; one submission).

Allele frequency attached by ClinVar (database versions not stated): gnomAD 0.00001; ExAC 0.00002; TOPMed 0.00003; ESP Exome Variant Server 0.00008.
gnomAD v4.1: 33 of 1,606,456 alleles (0.0021%); highest among the groups gnomAD compares: Non-Finnish European, 0.0027%; no homozygotes.

Submission:

Labcorp Genetics (formerly Invitae), Labcorp
Classification: Uncertain significance. Last evaluated: 2022-05-11. Review status: criteria provided, single submitter. Criteria: Invitae Variant Classification Sherloc (09022015). Collection method: clinical testing. Allele origin: germline.
Comment: Algorithms developed to predict the effect of missense changes on protein structure and function (SIFT, PolyPhen-2, Align-GVGD) all suggest that this variant is likely to be tolerated. This sequence change replaces glutamic acid, which is acidic and polar, with aspartic acid, which is acidic and polar, at codon 654 of the ERCC3 protein (p.Glu654Asp). This variant is present in population databases (rs375848554, gnomAD 0.002%). This variant has not been reported in the literature in individuals affected with ERCC3-related conditions. In summary, the available evidence is currently insufficient to determine the role of this variant in disease. Therefore, it has been classified as a Variant of Uncertain Significance.